The following is an entry in ClinVar:

NM_020778.5:c.(182+1_183-1)_(304+1_305-1)del

Gene: ALPK3 (alpha kinase 3; plus strand).
Variant type: Deletion.
Other names: c.(182+1_183-1)_(304+1_305-1)del (NM_020778.5).
Identifiers: ClinVar variation 4076490 (VCV004076490.1).

ClinVar aggregate classification (germline): Pathogenic (1 of 4 stars; one submission).

Conditions:
Cardiovascular phenotype. Identifiers: MedGen CN230736.

Submission:

Molecular Diagnostic Laboratory for Inherited Cardiovascular Disease, Montreal Heart Institute
Classification: Pathogenic for Cardiovascular phenotype. Last evaluated: 2025-07-18. Review status: criteria provided, single submitter. Criteria: ACMG Guidelines, 2015. Collection method: clinical testing. Allele origin: germline. Affected: yes.
Comment: PVS1, PM2, PS4_supp